The following is an entry in ClinVar:

ClinVar aggregate classification (germline): Uncertain significance. Review status: criteria provided, multiple submitters, no conflicts (2 of 4 stars). 4 submissions from 4 submitters: Uncertain significance (4). Last evaluated 2025-02-27.

Conditions:
Ataxia-telangiectasia syndrome (AT). Also called: ATAXIA-TELANGIECTASIA, COMPLEMENTATION GROUP A; ATAXIA-TELANGIECTASIA, FRESNO VARIANT; Ataxia-telangiectasia; Ataxia-telangiectasia, complementation group D; AT, COMPLEMENTATION GROUP C; Ataxia-telangiectasia, complementation group E. Identifiers: Orphanet 100, MedGen C0004135, MONDO:0008840, OMIM 208900.
Hereditary cancer-predisposing syndrome. Also called: Neoplastic Syndromes, Hereditary; Tumor predisposition; Hereditary Cancer Syndrome; Hereditary neoplastic syndrome. Identifiers: Orphanet 140162, MedGen C0027672, MeSH D009386, MONDO:0015356.

Allele frequency attached by ClinVar (database versions not stated): gnomAD exomes below 0.00001.
gnomAD v4.1: 1 of 1,613,374 alleles (0.000062%); no homozygotes.

Submissions (4):

Ambry Genetics
Classification: Uncertain significance for Hereditary cancer-predisposing syndrome. Last evaluated: 2025-02-27. Review status: criteria provided, single submitter. Criteria: Ambry Variant Classification Scheme 2023. Collection method: clinical testing. Allele origin: germline.
Comment: The p.R1437S variant (also known as c.4311A>T), located in coding exon 28 of the ATM gene, results from an A to T substitution at nucleotide position 4311. The arginine at codon 1437 is replaced by serine, an amino acid with dissimilar properties. This amino acid position is highly conserved in available vertebrate species. In addition, the in silico prediction for this alteration is inconclusive. Based on the available evidence, the clinical significance of this variant remains unclear.

Color Diagnostics, LLC DBA Color Health
Classification: Uncertain significance for Hereditary cancer-predisposing syndrome. Last evaluated: 2023-01-23. Review status: criteria provided, single submitter. Criteria: ACMG Guidelines, 2015. Collection method: clinical testing. Allele origin: germline.
Comment: This missense variant replaces arginine with serine at codon 1437 of the ATM protein. Computational prediction suggests that this variant may not impact protein structure and function (internally defined REVEL score threshold <= 0.5, PMID: 27666373). To our knowledge, functional studies have not been reported for this variant. This variant has not been reported in individuals affected with hereditary cancer in the literature. This variant has not been identified in the general population by the Genome Aggregation Database (gnomAD). The available evidence is insufficient to determine the role of this variant in disease conclusively. Therefore, this variant is classified as a Variant of Uncertain Significance.

Women's Health and Genetics/Laboratory Corporation of America, LabCorp
Classification: Uncertain significance. Last evaluated: 2021-06-26. Review status: criteria provided, single submitter. Criteria: LabCorp Variant Classification Summary - May 2015. Collection method: clinical testing. Allele origin: germline.
Comment: Variant summary: ATM c.4311A>T (p.Arg1437Ser) results in a non-conservative amino acid change in the encoded protein sequence. Four of five in-silico tools predict a damaging effect of the variant on protein function. The variant was absent in 250572 control chromosomes. The available data on variant occurrences in the general population are insufficient to allow any conclusion about variant significance. To our knowledge, no occurrence of c.4311A>T in individuals affected with Breast Cancer and no experimental evidence demonstrating its impact on protein function have been reported. Two clinical diagnostic laboratories have submitted clinical-significance assessments for this variant to ClinVar after 2014 without evidence for independent evaluation. All laboratories classified the variant as uncertain significance. Based on the evidence outlined above, the variant was classified as uncertain significance.

Labcorp Genetics (formerly Invitae), Labcorp
Classification: Uncertain significance for Ataxia-telangiectasia syndrome. Last evaluated: 2017-10-14. Review status: criteria provided, single submitter. Criteria: Invitae Variant Classification Sherloc (09022015). Collection method: clinical testing. Allele origin: germline.
Comment: In summary, the available evidence is currently insufficient to determine the role of this variant in disease. Therefore, it has been classified as a Variant of Uncertain Significance. Algorithms developed to predict the effect of missense changes on protein structure and function (SIFT, PolyPhen-2, Align-GVGD) all suggest that this variant is likely to be disruptive, but these predictions have not been confirmed by published functional studies and their clinical significance is uncertain. This variant has not been reported in the literature in individuals with ATM-related disease. This variant is not present in population databases (ExAC no frequency). This sequence change replaces arginine with serine at codon 1437 of the ATM protein (p.Arg1437Ser). The arginine residue is highly conserved and there is a moderate physicochemical difference between arginine and serine.

NM_000051.4(ATM):c.4311A>T (p.Arg1437Ser)

Gene: ATM (ATM serine/threonine kinase; plus strand). Cytogenetic location: 11q22.3.
Variant type: single nucleotide variant.
Coding change: c.4311A>T on transcript NM_000051.4 (MANE Select); coding-DNA position 4311, A replaced by T.
Protein change: p.Arg1437Ser; replaces arginine 1437 with serine.
Molecular consequence: missense variant.
Genome position (GRCh38, 1-based): chr11:108,289,676, A>T. VCF-style: chr11-108289676-A-T. GRCh37 (hg19) VCF-style: chr11-108160403-A-T.
Other names: c.4311A>T, p.Arg1437Ser (NM_001351834.2); short protein forms R1437S.
Identifiers: ClinVar variation 524275 (VCV000524275.15), dbSNP rs1555097507, ClinGen allele CA382531717.
Genomic context (GRCh38, chr11:108,289,676, plus strand): 5'-AATTCTTCTTGCCATATGTGAGCAAGCAGCTGAAACAAATAATGTTTATAAGAAGCACAG[A>T]ATTCTTAAAATATATCACCTGTTTGTTAGTTTATTACTGAAAGATATAAAAAGTGGCTTA-3'
Protein context (NP_000042.3, residues 1427-1447): AETNNVYKKH[Arg1437Ser]ILKIYHLFVS